The following is an entry in ClinVar:

NM_014946.4(SPAST):c.1755C>A (p.Phe585Leu)

Gene: SPAST (spastin; plus strand). Cytogenetic location: 2p22.3.
Variant type: single nucleotide variant.
Coding change: c.1755C>A on transcript NM_014946.4 (MANE Select); coding-DNA position 1755, C replaced by A.
Protein change: p.Phe585Leu; replaces phenylalanine 585 with leucine.
Molecular consequence: missense variant. On other transcripts: 3 prime UTR variant (1).
Genome position (GRCh38, 1-based): chr2:32,154,400, C>A. VCF-style: chr2-32154400-C-A. GRCh37 (hg19) VCF-style: chr2-32379469-C-A.
Other names: c.1752C>A, p.Phe584Leu (NM_001363823.2); c.1656C>A, p.Phe552Leu (NM_001363875.2); c.*28C>A (NM_001377959.1); c.1659C>A, p.Phe553Leu (NM_199436.2); short protein forms F553L, F585L, F552L, F584L.
Identifiers: ClinVar variation 935405 (VCV000935405.8), dbSNP rs778602122, ClinGen allele CA346505570.

ClinVar aggregate classification (germline): Uncertain significance (1 of 4 stars; one submission).

Conditions:
Hereditary spastic paraplegia 4. Also called: Spastic Paraplegia 4; Spastic paraplegia 4, autosomal dominant; Familial spastic paraplegia autosomal dominant 2. Identifiers: Orphanet 100985, MedGen C1866855, MONDO:0008438, OMIM 182601.

Submission:

Labcorp Genetics (formerly Invitae), Labcorp
Classification: Uncertain significance for Hereditary spastic paraplegia 4. Last evaluated: 2019-09-29. Review status: criteria provided, single submitter. Criteria: Invitae Variant Classification Sherloc (09022015). Collection method: clinical testing. Allele origin: germline.
Comment: In summary, the available evidence is currently insufficient to determine the role of this variant in disease. Therefore, it has been classified as a Variant of Uncertain Significance. Algorithms developed to predict the effect of missense changes on protein structure and function are either unavailable or do not agree on the potential impact of this missense change (SIFT: "Deleterious"; PolyPhen-2: "Probably Damaging"; Align-GVGD: "Class C15"). This variant has not been reported in the literature in individuals with SPAST-related conditions. This variant is not present in population databases (ExAC no frequency). This sequence change replaces phenylalanine with leucine at codon 585 of the SPAST protein (p.Phe585Leu). The phenylalanine residue is highly conserved and there is a small physicochemical difference between phenylalanine and leucine.